The following is an entry in ClinVar:

ClinVar aggregate classification (germline): Uncertain significance (1 of 4 stars; one submission).

Allele frequency attached by ClinVar (database versions not stated): gnomAD exomes below 0.00001; ExAC 0.00001.
gnomAD v4.1: 6 of 1,612,062 alleles (0.00037%); highest among the groups gnomAD compares: South Asian, 0.0011%; no homozygotes.

Submission:

Ambry Genetics
Classification: Uncertain significance. Last evaluated: 2021-09-23. Review status: criteria provided, single submitter. Criteria: Ambry Variant Classification Scheme 2023. Collection method: clinical testing. Allele origin: germline.
Comment: The p.I253M variant (also known as c.759A>G), located in coding exon 9 of the NPAT gene, results from an A to G substitution at nucleotide position 759. The isoleucine at codon 253 is replaced by methionine, an amino acid with highly similar properties. This amino acid position is conserved. In addition, this alteration is predicted to be tolerated by in silico analysis. Since supporting evidence is limited at this time, the clinical significance of this alteration remains unclear.

NM_002519.3(NPAT):c.759A>G (p.Ile253Met)

Gene: NPAT (nuclear protein, coactivator of histone transcription; minus strand). Cytogenetic location: 11q22.3.
Variant type: single nucleotide variant.
Coding change: c.759A>G on transcript NM_002519.3 (MANE Select); coding-DNA position 759, A replaced by G.
Protein change: p.Ile253Met; replaces isoleucine 253 with methionine.
Molecular consequence: missense variant.
Genome position (GRCh38, 1-based): chr11:108,185,462, T>C on the plus strand (A>G on the coding strand, the complement: NPAT is on the minus strand). VCF-style: chr11-108185462-T-C. GRCh37 (hg19) VCF-style: chr11-108056189-T-C.
Other names: c.759A>G, p.Ile253Met (NM_001321307.1); short protein forms I253M.
Identifiers: ClinVar variation 1759687 (VCV001759687.2), dbSNP rs769791218, ClinGen allele CA6264190.